The following is an entry in ClinVar:

NM_006514.4(SCN10A):c.2332_2333inv (p.Lys778Leu)

Gene: SCN10A (sodium voltage-gated channel alpha subunit 10; minus strand). Cytogenetic location: 3p22.2.
Variant type: Inversion.
Coding change: c.2332_2333inv on transcript NM_006514.4 (MANE Select).
Protein change: p.Lys778Leu; replaces lysine 778 with leucine.
Molecular consequence: missense variant.
Genome position: GRCh38 VCF-style: chr3-38728849-TT-AA. GRCh37 (hg19) VCF-style: chr3-38770340-TT-AA.
Other names: c.2332_2333inv, p.Lys778Leu (NM_001293306.2); c.2038_2039inv, p.Lys680Leu (NM_001293307.2); short protein forms K680L, K778L.
Identifiers: ClinVar variation 3225631 (VCV003225631.1), ClinGen allele CA2825001237.

ClinVar aggregate classification (germline): Uncertain significance (1 of 4 stars; one submission).

Conditions:
Cardiovascular phenotype. Identifiers: MedGen CN230736.

Submission:

Ambry Genetics
Classification: Uncertain significance for Cardiovascular phenotype. Last evaluated: 2023-09-29. Review status: criteria provided, single submitter. Criteria: Ambry Variant Classification Scheme 2023. Collection method: clinical testing. Allele origin: germline.
Comment: The c.2332_2333delAAinsTT variant (also known as p.K778L), located in coding exon 15 of the SCN10A gene, results from an in-frame deletion of AA and insertion of TT at nucleotide positions 2332 to 2333. This results in the substitution of the lysine residue for a leucine residue at codon 778, an amino acid with dissimilar properties. This amino acid position is highly conserved in available vertebrate species. In addition, this alteration is predicted to be deleterious by in silico analysis (Choi Y et al. PLoS ONE. 2012; 7(10):e46688). The evidence for this gene-disease relationship is limited; therefore, the clinical significance of this alteration is unclear.